The following is an entry in ClinVar:

NM_001040108.2(MLH3):c.1608C>A (p.Gly536=)

Gene: MLH3 (mutL homolog 3; minus strand). Cytogenetic location: 14q24.3.
Variant type: single nucleotide variant.
Coding change: c.1608C>A on transcript NM_001040108.2 (MANE Select); coding-DNA position 1608, C replaced by A.
Protein change: p.Gly536=; no amino-acid change (glycine 536 retained).
Molecular consequence: synonymous variant.
Genome position (GRCh38, 1-based): chr14:75,048,048, G>T on the plus strand (C>A on the coding strand, the complement: MLH3 is on the minus strand). VCF-style: chr14-75048048-G-T. GRCh37 (hg19) VCF-style: chr14-75514751-G-T.
Other names: c.1608C>A, p.Gly536= (NM_014381.3).
Identifiers: ClinVar variation 1513997 (VCV001513997.11), dbSNP rs2139579764, ClinGen allele CA487273904.

ClinVar aggregate classification (germline): Benign/Likely benign. Review status: criteria provided, multiple submitters, no conflicts (2 of 4 stars). 3 submissions from 3 submitters: Benign (1); Likely benign (2). Last evaluated 2026-09-22.

Conditions:
Colorectal cancer, hereditary nonpolyposis, type 7. Identifiers: Orphanet 144, MedGen C1858380, MONDO:0013725, OMIM 614385.

Submissions (3):

Myriad Genetics, Inc.
Classification: Benign for Colorectal cancer, hereditary nonpolyposis, type 7. Last evaluated: 2026-09-22. Review status: criteria provided, single submitter. Criteria: Myriad Autosomal Dominant, Autosomal Recessive and X-Linked Classification Criteria (2023). Collection method: clinical testing. Allele origin: unknown.
Comment: This variant is considered benign. This variant is a silent/synonymous amino acid change and it is not expected to impact splicing.

Labcorp Genetics (formerly Invitae), Labcorp
Classification: Likely benign for Colorectal cancer, hereditary nonpolyposis, type 7. Last evaluated: 2023-01-03. Review status: criteria provided, single submitter. Criteria: Invitae Variant Classification Sherloc (09022015). Collection method: clinical testing. Allele origin: germline.

Ambry Genetics
Classification: Likely benign. Last evaluated: 2019-12-05. Review status: criteria provided, single submitter. Criteria: Ambry Variant Classification Scheme 2023. Collection method: clinical testing. Allele origin: germline.